The following is an entry in ClinVar:

NM_004006.3(DMD):c.10227dup (p.Val3410fs)

Gene: DMD (dystrophin; minus strand). Cytogenetic location: Xp21.2.
Variant type: Duplication.
Coding change: c.10227dup on transcript NM_004006.3 (MANE Select); coding-DNA position 10227, one base duplicated (C; older notation c.10227dupC).
Protein change: p.Val3410fs; shifts the reading frame from valine 3410.
Molecular consequence: frameshift variant. On other transcripts: intron variant (5).
Genome position (GRCh38, 1-based): chrX:31,177,967, G duplicated on the plus strand (C on the coding strand, the reverse complement: DMD is on the minus strand); the first of 3 consecutive G bases (chrX:31,177,967-31,177,969); duplicating any one gives the same sequence. VCF-style (leftmost placement, unchanged base first): chrX-31177966-C-CG. GRCh37 (hg19) VCF-style: chrX-31196083-C-CG.
Other names: c.10203dup, p.Val3402fs (NM_000109.4); c.10215dup, p.Val3406fs (NM_004009.3); c.9858dup, p.Val3287fs (NM_004010.3); c.6204dup, p.Val2069fs (NM_004011.4); c.6195dup, p.Val2066fs (NM_004012.4); c.2847dup, p.Val950fs (NM_004013.3, NM_004021.3); c.2040dup, p.Val681fs (NM_004014.3); c.1023dup, p.Val342fs (NM_004015.3, NM_004016.3); and 2 more; short protein forms V342fs, V950fs, V3410fs, V681fs, V2066fs, V3287fs, V3402fs, V2069fs.
Identifiers: ClinVar variation 2737134 (VCV002737134.3), dbSNP rs2040714340, ClinGen allele CA2695231766.
Genomic context (GRCh38, chrX:31,177,966, plus strand): 5'-CACCCTTCAGCAAAAAAAGTACTCACGCAGAATCTACTGGCCAGAAGTTGATCAGAGTAA[C>CG]GGGACTGCAAAACAAAAAATGAGGTGGTGAAGGAGACACACGCAAACTCAGCCGCAAAAA-3'

ClinVar aggregate classification (germline): Pathogenic (1 of 4 stars; one submission).

Conditions:
Duchenne muscular dystrophy (DMD). Also called: MUSCULAR DYSTROPHY, PSEUDOHYPERTROPHIC PROGRESSIVE, DUCHENNE TYPE; Duchenne Muscular Dystrophy (DMD). Identifiers: Orphanet 98896, MedGen C0013264, MONDO:0010679, OMIM 310200.

Submission:

Labcorp Genetics (formerly Invitae), Labcorp
Classification: Pathogenic for Duchenne muscular dystrophy. Last evaluated: 2023-06-21. Review status: criteria provided, single submitter. Criteria: Invitae Variant Classification Sherloc (09022015). Collection method: clinical testing. Allele origin: germline.
Comment: For these reasons, this variant has been classified as Pathogenic. This premature translational stop signal has been observed in individual(s) with Duchenne muscular dystrophy (PMID: 15643612). This variant is not present in population databases (gnomAD no frequency). This sequence change creates a premature translational stop signal (p.Val3410Argfs*23) in the DMD gene. It is expected to result in an absent or disrupted protein product. Loss-of-function variants in DMD are known to be pathogenic (PMID: 16770791, 25007885). In addition, truncating variants in exon 71 (p.Pro3409Tyr*22, p.Thr3411Asn*22, and p.Leu3412Argfs*7) that result in partial in-frame exon skipping have been observed in individuals with clinical features of mild Becker muscular dystrophy (PMID: 17041906, 23536893).

Literature cited by the submitters: PubMed 15643612; PubMed 16770791; PubMed 25007885; PubMed 17041906; PubMed 23536893.